The following is an entry in ClinVar:

NM_001365276.2(TNXB):c.1697G>A (p.Arg566His)

Gene: TNXB (tenascin XB; minus strand). Cytogenetic location: 6p21.33.
Variant type: single nucleotide variant.
Coding change: c.1697G>A on transcript NM_001365276.2 (MANE Select); coding-DNA position 1697, G replaced by A.
Protein change: p.Arg566His; replaces arginine 566 with histidine.
Molecular consequence: missense variant.
Genome position (GRCh38, 1-based): chr6:32,096,156, C>T on the plus strand (G>A on the coding strand, the complement: TNXB is on the minus strand). VCF-style: chr6-32096156-C-T. GRCh37 (hg19) VCF-style: chr6-32063933-C-T.
Other names: c.1697G>A, p.Arg566His (NM_019105.8); short protein forms R566H.
Identifiers: ClinVar variation 1702806 (VCV001702806.3), dbSNP rs1425189838, ClinGen allele CA363478450.

ClinVar aggregate classification (germline): Uncertain significance. Review status: criteria provided, multiple submitters, no conflicts (2 of 4 stars). 2 submissions from 2 submitters: Uncertain significance (2). Last evaluated 2024-11-26.

Conditions:
Cardiovascular phenotype. Identifiers: MedGen CN230736.

Allele frequency attached by ClinVar (database versions not stated): gnomAD exomes 0.00001.
gnomAD v4.1: 14 of 1,585,206 alleles (0.00088%); highest among the groups gnomAD compares: Non-Finnish European, 0.0012%; no homozygotes.

Submissions (2):

Ambry Genetics
Classification: Uncertain significance for Cardiovascular phenotype. Last evaluated: 2024-11-26. Review status: criteria provided, single submitter. Criteria: Ambry Variant Classification Scheme 2023. Collection method: clinical testing. Allele origin: germline.

GeneDx
Classification: Uncertain significance. Last evaluated: 2022-02-22. Review status: criteria provided, single submitter. Criteria: GeneDx Variant Classification Process June 2021. Collection method: clinical testing. Allele origin: germline. Affected: yes.
Comment: Has not been previously published as pathogenic or benign to our knowledge; Not observed at significant frequency in large population cohorts (gnomAD); In silico analysis supports that this missense variant has a deleterious effect on protein structure/function